The following is an entry in ClinVar:

NM_019066.5(MAGEL2):c.2695C>T (p.Arg899Cys)

Gene: MAGEL2 (MAGE family member L2; minus strand). Cytogenetic location: 15q11.2.
Variant type: single nucleotide variant.
Coding change: c.2695C>T on transcript NM_019066.5 (MANE Select); coding-DNA position 2695, C replaced by T.
Protein change: p.Arg899Cys; replaces arginine 899 with cysteine.
Molecular consequence: missense variant.
Genome position (GRCh38, 1-based): chr15:23,645,048, G>A on the plus strand (C>T on the coding strand, the complement: MAGEL2 is on the minus strand). VCF-style: chr15-23645048-G-A. GRCh37 (hg19) VCF-style: chr15-23890195-G-A.
Other names: short protein forms R899C.
Identifiers: ClinVar variation 4982712 (VCV004982712.1).
Genomic context (GRCh38, chr15:23,645,048, plus strand): 5'-GATTTAGATTCTCCCAGGGCCTTGGGCCCTGCCAGTCATGAAAGGCTAGCGTGTGGCCAC[G>A]GCTGTCCTCTTGGGCTTCCAGATGCTTCTTCTTCCGGGTGGCCTTGCCGGAGCGGCGTGG-3'
Protein context (NP_061939.3, residues 889-909): KKHLEAQEDS[Arg899Cys]GHTLAFHDWQ

ClinVar aggregate classification (germline): Uncertain significance (1 of 4 stars; one submission).

Conditions:
MAGEL2-related disorder. Also called: MAGEL2-related condition.

gnomAD v4.1: 1 of 1,613,932 alleles (0.000062%); no homozygotes.

Submission:

PreventionGenetics, part of Exact Sciences
Classification: Uncertain significance for MAGEL2-related condition. Last evaluated: 2026-06-04. Review status: criteria provided, single submitter. Criteria: ACMG Guidelines, 2015. Collection method: clinical testing. Allele origin: germline.
Comment: The MAGEL2 c.2695C>T variant is predicted to result in the amino acid substitution p.Arg899Cys. To our knowledge, this variant has not been reported in the literature or in a large population database (gnomAD), indicating this variant is rare. At this time, the clinical significance of this variant is uncertain due to the absence of conclusive functional and genetic evidence.